The following is an entry in ClinVar:

NM_005901.6(SMAD2):c.785-3C>T

Gene: SMAD2 (SMAD family member 2; minus strand). Cytogenetic location: 18q21.1.
Variant type: single nucleotide variant.
Coding change: c.785-3C>T on transcript NM_005901.6 (MANE Select); 3 bases into the intron before coding-DNA position 785, C replaced by T.
Molecular consequence: intron variant.
Genome position (GRCh38, 1-based): chr18:47,848,690, G>A on the plus strand (C>T on the coding strand, the complement: SMAD2 is on the minus strand). VCF-style: chr18-47848690-G-A. GRCh37 (hg19) VCF-style: chr18-45375061-G-A.
Other names: c.695-3C>T (NM_001135937.3); c.785-3C>T (NM_001003652.4).
Identifiers: ClinVar variation 4765944 (VCV004765944.1).

ClinVar aggregate classification (germline): Uncertain significance (1 of 4 stars; one submission).

Submission:

Labcorp Genetics (formerly Invitae), Labcorp
Classification: Uncertain significance. Last evaluated: 2025-12-03. Review status: criteria provided, single submitter. Criteria: Invitae Variant Classification Sherloc (09022015). Collection method: clinical testing. Allele origin: germline.
Comment: This sequence change falls in intron 7 of the SMAD2 gene. It does not directly change the encoded amino acid sequence of the SMAD2 protein. It affects a nucleotide within the consensus splice site. This variant is not present in population databases (gnomAD no frequency). This variant has not been reported in the literature in individuals affected with SMAD2-related conditions. Variants that disrupt the consensus splice site are a relatively common cause of aberrant splicing (PMID: 17576681, 9536098). Algorithms developed to predict the effect of sequence changes on RNA splicing suggest that this variant is not likely to affect RNA splicing. In summary, the available evidence is currently insufficient to determine the role of this variant in disease. Therefore, it has been classified as a Variant of Uncertain Significance.

Literature cited by the submitters: PubMed 17576681; PubMed 9536098.